The following is an entry in ClinVar:

ClinVar aggregate classification (germline): Conflicting classifications of pathogenicity. Review status: criteria provided, conflicting classifications (1 of 4 stars). 4 submissions from 3 submitters: Uncertain significance (3); Likely benign (1). Last evaluated 2024-04-03.

Conditions:
Catecholaminergic polymorphic ventricular tachycardia 1. Also called: RYR2-Related Catecholaminergic Polymorphic Ventricular Tachycardia; VENTRICULAR TACHYCARDIA, CATECHOLAMINERGIC POLYMORPHIC, 1, WITH OR WITHOUT ATRIAL DYSFUNCTION AND/OR DILATED CARDIOMYOPATHY; VENTRICULAR TACHYCARDIA, STRESS-INDUCED POLYMORPHIC 1. Identifiers: Orphanet 3286, MedGen C1631597, MONDO:0011484, OMIM 604772.
Arrhythmogenic right ventricular dysplasia 2. Identifiers: MedGen C1832931.
Cardiomyopathy (CMYO). Also called: Cardiomyopathies. Identifiers: Orphanet 167848, MedGen C0878544, MONDO:0004994, HP:0001638. Inheritance: Various modes of inheritance.

Allele frequency attached by ClinVar (database versions not stated): gnomAD exomes 0.00001 and 0.00003; ExAC 0.00012.
gnomAD v4.1: 18 of 1,428,946 alleles (0.0013%); highest among the groups gnomAD compares: South Asian, 0.023%; 1 homozygote.

Submissions (4):

Color Diagnostics, LLC DBA Color Health
Classification: Uncertain significance for Cardiomyopathy. Last evaluated: 2024-04-03. Review status: criteria provided, single submitter. Criteria: ACMG Guidelines, 2015. Collection method: clinical testing. Allele origin: germline.
Comment: This missense variant replaces isoleucine with valine at codon 597 of the RYR2 protein. Computational prediction is inconclusive regarding the impact of this variant on protein structure and function (internally defined REVEL score threshold 0.5 < inconclusive < 0.7, PMID: 27666373). To our knowledge, functional studies have not been reported for this variant. This variant has not been reported in individuals affected with RYR2-related disorders in the literature. This variant has been identified in 5/165272 chromosomes in the general population by the Genome Aggregation Database (gnomAD). The available evidence is insufficient to determine the role of this variant in disease conclusively. Therefore, this variant is classified as a Variant of Uncertain Significance.

Labcorp Genetics (formerly Invitae), Labcorp
Classification: Uncertain significance for Catecholaminergic polymorphic ventricular tachycardia 1. Last evaluated: 2022-08-22. Review status: criteria provided, single submitter. Criteria: Invitae Variant Classification Sherloc (09022015). Collection method: clinical testing. Allele origin: germline.
Comment: This sequence change replaces isoleucine, which is neutral and non-polar, with valine, which is neutral and non-polar, at codon 597 of the RYR2 protein (p.Ile597Val). This variant is present in population databases (rs770408945, gnomAD 0.02%). This variant has not been reported in the literature in individuals affected with RYR2-related conditions. ClinVar contains an entry for this variant (Variation ID: 874172). Advanced modeling of protein sequence and biophysical properties (such as structural, functional, and spatial information, amino acid conservation, physicochemical variation, residue mobility, and thermodynamic stability) performed at Invitae indicates that this missense variant is expected to disrupt RYR2 protein function. In summary, the available evidence is currently insufficient to determine the role of this variant in disease. Therefore, it has been classified as a Variant of Uncertain Significance.

Illumina Laboratory Services, Illumina
Classification: Likely benign for Catecholaminergic polymorphic ventricular tachycardia 1. Last evaluated: 2018-01-12. Review status: criteria provided, single submitter. Criteria: ICSL Variant Classification Criteria 13 December 2019. Collection method: clinical testing. Allele origin: germline.
Comment: This variant was observed in the ICSL laboratory as part of a predisposition screen in an ostensibly healthy population. It had not been previously curated by ICSL or reported in the Human Gene Mutation Database (HGMD: prior to June 1st, 2018), and was therefore a candidate for classification through an automated scoring system. Utilizing variant allele frequency, disease prevalence and penetrance estimates, and inheritance mode, an automated score was calculated to assess if this variant is too frequent to cause the disease. Based on the score and internal cut-off values, a variant classified as likely benign is not then subjected to further curation. The score for this variant resulted in a classification of likely benign for this disease.

Illumina Laboratory Services, Illumina
Classification: Uncertain significance for Catecholaminergic polymorphic ventricular tachycardia 1. Last evaluated: 2018-01-12. Review status: criteria provided, single submitter. Criteria: ICSL Variant Classification Criteria 13 December 2019. Collection method: clinical testing. Allele origin: germline.

NM_001035.3(RYR2):c.1789A>G (p.Ile597Val)

Gene: RYR2 (ryanodine receptor 2; plus strand). Cytogenetic location: 1q43.
Variant type: single nucleotide variant.
Coding change: c.1789A>G on transcript NM_001035.3 (MANE Select); coding-DNA position 1789, A replaced by G.
Protein change: p.Ile597Val; replaces isoleucine 597 with valine.
Molecular consequence: missense variant.
Genome position (GRCh38, 1-based): chr1:237,491,886, A>G. VCF-style: chr1-237491886-A-G. GRCh37 (hg19) VCF-style: chr1-237655186-A-G.
Other names: short protein forms I597V.
Identifiers: ClinVar variation 874172 (VCV000874172.9), dbSNP rs770408945, ClinGen allele CA085890.
Genomic context (GRCh38, chr1:237,491,886, plus strand): 5'-TGTGTTTTAGTAGAAAGTCCAGAAGCTCTAAATATTATTAAAGAAGGACATATTAAATCT[A>G]TTATCTCACTTTTAGACAAACATGGAAGAAATCACAAGGTAAATGAACTATTTTATTTCC-3'
Protein context (NP_001026.2, residues 587-607): NIIKEGHIKS[Ile597Val]ISLLDKHGRN